The following is an entry in ClinVar:

ClinVar aggregate classification (germline): Uncertain significance. Review status: criteria provided, multiple submitters, no conflicts (2 of 4 stars). 2 submissions from 2 submitters: Uncertain significance (2). Last evaluated 2024-10-16.

Allele frequency attached by ClinVar (database versions not stated): ExAC 0.00001; gnomAD exomes 0.00001; TOPMed 0.00001.
gnomAD v4.1: 7 of 1,614,190 alleles (0.00043%); highest among the groups gnomAD compares: Admixed American, 0.01%; no homozygotes.

Submissions (2):

Labcorp Genetics (formerly Invitae), Labcorp
Classification: Uncertain significance. Last evaluated: 2024-10-16. Review status: criteria provided, single submitter. Criteria: Invitae Variant Classification Sherloc (09022015). Collection method: clinical testing. Allele origin: germline.
Comment: This sequence change replaces aspartic acid, which is acidic and polar, with valine, which is neutral and non-polar, at codon 227 of the RBM48 protein (p.Asp227Val). This variant is present in population databases (rs769462318, gnomAD 0.01%). This variant has not been reported in the literature in individuals affected with RBM48-related conditions. ClinVar contains an entry for this variant (Variation ID: 2400232). Invitae Evidence Modeling of protein sequence and biophysical properties (such as structural, functional, and spatial information, amino acid conservation, physicochemical variation, residue mobility, and thermodynamic stability) indicates that this missense variant is not expected to disrupt RBM48 protein function with a negative predictive value of 80%. In summary, the available evidence is currently insufficient to determine the role of this variant in disease. Therefore, it has been classified as a Variant of Uncertain Significance.

Ambry Genetics
Classification: Uncertain significance. Last evaluated: 2021-08-13. Review status: criteria provided, single submitter. Criteria: Ambry Variant Classification Scheme 2023. Collection method: clinical testing. Allele origin: germline.

NM_032120.4(RBM48):c.680A>T (p.Asp227Val)

Gene: RBM48 (RNA binding motif protein 48; plus strand). Cytogenetic location: 7q21.2.
Variant type: single nucleotide variant.
Coding change: c.680A>T on transcript NM_032120.4 (MANE Select); coding-DNA position 680, A replaced by T.
Protein change: p.Asp227Val; replaces aspartic acid 227 with valine.
Molecular consequence: missense variant.
Genome position (GRCh38, 1-based): chr7:92,534,633, A>T. VCF-style: chr7-92534633-A-T. GRCh37 (hg19) VCF-style: chr7-92163947-A-T.
Other names: c.680A>T (NM_032120.2); c.680A>T, p.Asp227Val (NM_001363366.1); c.155A>T, p.Asp52Val (NM_001363367.1); short protein forms D227V, D52V.
Identifiers: ClinVar variation 2400232 (VCV002400232.8), dbSNP rs769462318, ClinGen allele CA4341912.